The following is an entry in ClinVar:

ClinVar aggregate classification (germline): Pathogenic (1 of 4 stars; one submission).

Conditions:
LAMA2-related muscular dystrophy (LAMA2-RD). Also called: Laminin alpha 2-related dystrophy. Identifiers: MedGen C5679788, MONDO:0100228.

Submission:

Labcorp Genetics (formerly Invitae), Labcorp
Classification: Pathogenic for LAMA2-related muscular dystrophy. Last evaluated: 2021-08-05. Review status: criteria provided, single submitter. Criteria: Invitae Variant Classification Sherloc (09022015). Collection method: clinical testing. Allele origin: germline.
Comment: This sequence change creates a premature translational stop signal (p.Ala1786Glyfs*11) in the LAMA2 gene. It is expected to result in an absent or disrupted protein product. Loss-of-function variants in LAMA2 are known to be pathogenic (PMID: 18700894). This variant is not present in population databases (ExAC no frequency). This variant has not been reported in the literature in individuals affected with LAMA2-related conditions. For these reasons, this variant has been classified as Pathogenic.

Literature cited by the submitters: PubMed 18700894.

NM_000426.4(LAMA2):c.5356dup (p.Ala1786fs)

Gene: LAMA2 (laminin subunit alpha 2; plus strand). Cytogenetic location: 6q22.33.
Variant type: Duplication.
Coding change: c.5356dup on transcript NM_000426.4 (MANE Select); coding-DNA position 5356, one base duplicated (G; older notation c.5356dupG).
Protein change: p.Ala1786fs; shifts the reading frame from alanine 1786.
Molecular consequence: frameshift variant.
Genome position (GRCh38, 1-based): chr6:129,393,166, G duplicated. VCF-style (leftmost placement, unchanged base first): chr6-129393165-T-TG. GRCh37 (hg19) VCF-style: chr6-129714310-T-TG.
Other names: c.5356dup, p.Ala1786fs (NM_001079823.2); short protein forms A1786fs.
Identifiers: ClinVar variation 1370046 (VCV001370046.6), dbSNP rs2114674819, ClinGen allele CA2573140470.